The following is an entry in ClinVar:

ClinVar aggregate classification (germline): Uncertain significance. Review status: criteria provided, multiple submitters, no conflicts (2 of 4 stars). 2 submissions from 2 submitters: Uncertain significance (2). Last evaluated 2024-09-01.

Allele frequency attached by ClinVar (database versions not stated): TOPMed 0.00009; gnomAD 0.00010 and 0.00012; gnomAD exomes 0.00012; ExAC 0.00014; ESP Exome Variant Server 0.00015.
gnomAD v4.1: 204 of 1,613,470 alleles (0.013%); highest among the groups gnomAD compares: South Asian, 0.035%; 1 homozygote.

Submissions (2):

CeGaT Center for Human Genetics Tuebingen
Classification: Uncertain significance. Last evaluated: 2024-09-01. Review status: criteria provided, single submitter. Criteria: CeGaT Center For Human Genetics Tuebingen Variant Classification Criteria Version 2. Collection method: clinical testing. Allele origin: germline. Affected: yes. Observed: 2 variant alleles.
Comment: PRKN: PM2, PM3:Supporting

Labcorp Genetics (formerly Invitae), Labcorp
Classification: Uncertain significance. Last evaluated: 2022-02-04. Review status: criteria provided, single submitter. Criteria: Invitae Variant Classification Sherloc (09022015). Collection method: clinical testing. Allele origin: germline.
Comment: This sequence change replaces arginine, which is basic and polar, with glutamine, which is neutral and polar, at codon 234 of the PRKN protein (p.Arg234Gln). This variant is present in population databases (rs144032774, gnomAD 0.03%). This missense change has been observed in individual(s) with Parkinson disease (PMID: 16643317, 33045815). ClinVar contains an entry for this variant (Variation ID: 835347). Algorithms developed to predict the effect of missense changes on protein structure and function (SIFT, PolyPhen-2, Align-GVGD) all suggest that this variant is likely to be tolerated. Experimental studies have shown that this missense change does not substantially affect PRKN function (PMID: 30994895). In summary, the available evidence is currently insufficient to determine the role of this variant in disease. Therefore, it has been classified as a Variant of Uncertain Significance.

Literature cited by the submitters: PubMed 16643317 (cited by Labcorp Genetics (formerly Invitae), Labcorp); PubMed 33045815 (cited by Labcorp Genetics (formerly Invitae), Labcorp); PubMed 30994895 (cited by Labcorp Genetics (formerly Invitae), Labcorp).

NM_004562.3(PRKN):c.701G>A (p.Arg234Gln)

Gene: PRKN (parkin RBR E3 ubiquitin protein ligase; minus strand). Cytogenetic location: 6q26.
Variant type: single nucleotide variant.
Coding change: c.701G>A on transcript NM_004562.3 (MANE Select); coding-DNA position 701, G replaced by A.
Protein change: p.Arg234Gln; replaces arginine 234 with glutamine.
Molecular consequence: missense variant.
Genome position (GRCh38, 1-based): chr6:161,973,335, C>T on the plus strand (G>A on the coding strand, the complement: PRKN is on the minus strand). VCF-style: chr6-161973335-C-T. GRCh37 (hg19) VCF-style: chr6-162394367-C-T.
Other names: c.617G>A, p.Arg206Gln (NM_013987.3); c.254G>A, p.Arg85Gln (NM_013988.3); short protein forms R234Q, R85Q, R206Q.
Identifiers: ClinVar variation 835347 (VCV000835347.28), dbSNP rs144032774, ClinGen allele CA4090270.